The following is an entry in ClinVar:

NM_002109.6(HARS1):c.1479C>G (p.Asp493Glu)

Gene: HARS1 (histidyl-tRNA synthetase 1; minus strand). Cytogenetic location: 5q31.3.
Variant type: single nucleotide variant.
Coding change: c.1479C>G on transcript NM_002109.6 (MANE Select); coding-DNA position 1479, C replaced by G.
Protein change: p.Asp493Glu; replaces aspartic acid 493 with glutamic acid.
Molecular consequence: missense variant.
Genome position (GRCh38, 1-based): chr5:140,674,308, G>C on the plus strand (C>G on the coding strand, the complement: HARS1 is on the minus strand). VCF-style: chr5-140674308-G-C. GRCh37 (hg19) VCF-style: chr5-140053893-G-C.
Other names: c.1359C>G, p.Asp453Glu (NM_001258040.3); c.1419C>G, p.Asp473Glu (NM_001258041.3); c.1299C>G, p.Asp433Glu (NM_001258042.3); c.1257C>G, p.Asp419Glu (NM_001289092.2); c.1137C>G, p.Asp379Glu (NM_001289093.2); c.1392C>G, p.Asp464Glu (NM_001289094.2); short protein forms D473E, D493E, D419E, D464E, D433E, D453E, D379E.
Identifiers: ClinVar variation 2768554 (VCV002768554.3), dbSNP rs1366581698, ClinGen allele CA361245658.

ClinVar aggregate classification (germline): Uncertain significance (1 of 4 stars; one submission).

Conditions:
Usher syndrome type 3B. Also called: USHER SYNDROME, TYPE IIIB. Identifiers: MedGen C3281066, MONDO:0013788, OMIM 614504.

gnomAD v4.1: 1 of 1,611,728 alleles (0.000062%); highest among the groups gnomAD compares: South Asian, 0.0011%; no homozygotes.

Submission:

Labcorp Genetics (formerly Invitae), Labcorp
Classification: Uncertain significance for Usher syndrome type 3B. Last evaluated: 2023-10-14. Review status: criteria provided, single submitter. Criteria: Invitae Variant Classification Sherloc (09022015). Collection method: clinical testing. Allele origin: germline.
Comment: This sequence change replaces aspartic acid, which is acidic and polar, with glutamic acid, which is acidic and polar, at codon 493 of the HARS protein (p.Asp493Glu). This variant is not present in population databases (gnomAD no frequency). This variant has not been reported in the literature in individuals affected with HARS-related conditions. Advanced modeling of protein sequence and biophysical properties (such as structural, functional, and spatial information, amino acid conservation, physicochemical variation, residue mobility, and thermodynamic stability) performed at Invitae indicates that this missense variant is not expected to disrupt HARS protein function. In summary, the available evidence is currently insufficient to determine the role of this variant in disease. Therefore, it has been classified as a Variant of Uncertain Significance.